The following is an entry in ClinVar:

NM_001111125.3(IQSEC2):c.4050C>A (p.His1350Gln)

Gene: IQSEC2 (IQ motif and Sec7 domain ArfGEF 2; minus strand). Cytogenetic location: Xp11.22.
Variant type: single nucleotide variant.
Coding change: c.4050C>A on transcript NM_001111125.3 (MANE Select); coding-DNA position 4050, C replaced by A.
Protein change: p.His1350Gln; replaces histidine 1350 with glutamine.
Molecular consequence: missense variant. On other transcripts: 3 prime UTR variant (1).
Genome position (GRCh38, 1-based): chrX:53,234,636, G>T on the plus strand (C>A on the coding strand, the complement: IQSEC2 is on the minus strand). VCF-style: chrX-53234636-G-T. GRCh37 (hg19) VCF-style: chrX-53263818-G-T.
Other names: c.*535C>A (NM_015075.2); short protein forms H1350Q.
Identifiers: ClinVar variation 857562 (VCV000857562.13), dbSNP rs1449945045, ClinGen allele CA413139703.

ClinVar aggregate classification (germline): Conflicting classifications of pathogenicity. Review status: criteria provided, conflicting classifications (1 of 4 stars). 3 submissions from 3 submitters: Uncertain significance (1); Likely benign (2). Last evaluated 2025-05-22.

Conditions:
Intellectual developmental disorder, X-linked 1. Also called: Atkin Flaitz Patil Smith syndrome; MENTAL RETARDATION, X-LINKED 18; MENTAL RETARDATION, X-LINKED 78; Intellectual disability, X-linked 1. Identifiers: Orphanet 777, MedGen C2931498, MONDO:0010656, OMIM 309530.

Allele frequency attached by ClinVar (database versions not stated): TOPMed 0.00002; gnomAD exomes 0.00001; gnomAD 0.00003.
gnomAD v4.1: 30 of 1,135,003 alleles (0.0026%); highest among the groups gnomAD compares: Non-Finnish European, 0.0034%; no homozygotes.

Submissions (3):

Labcorp Genetics (formerly Invitae), Labcorp
Classification: Likely benign for Intellectual developmental disorder, X-linked 1. Last evaluated: 2025-05-22. Review status: criteria provided, single submitter. Criteria: Invitae Variant Classification Sherloc (09022015). Collection method: clinical testing. Allele origin: germline.

GeneDx
Classification: Likely benign. Last evaluated: 2024-02-26. Review status: criteria provided, single submitter. Criteria: GeneDx Variant Classification Process June 2021. Collection method: clinical testing. Allele origin: germline. Affected: yes.
Comment: See Variant Classification Assertion Criteria.

Women's Health and Genetics/Laboratory Corporation of America, LabCorp
Classification: Uncertain significance. Last evaluated: 2023-03-13. Review status: criteria provided, single submitter. Criteria: LabCorp Variant Classification Summary - May 2015. Collection method: clinical testing. Allele origin: germline.
Comment: Variant summary: IQSEC2 c.4050C>A (p.His1350Gln) results in a non-conservative amino acid change in the encoded protein sequence. Three of five in-silico tools predict a benign effect of the variant on protein function. The variant allele was found at a frequency of 1.2e-05 in 83550 control chromosomes (i.e, 1 heterozygous female carrier; gnomAD v2.1.1 Exomes cohort). The available data on variant occurrences in the general population are insufficient to allow any conclusion about variant significance. To our knowledge, no occurrence of c.4050C>A in individuals affected with Intellectual Disability, X-Linked 1 and no experimental evidence demonstrating its impact on protein function have been reported. Two clinical diagnostic laboratories have submitted clinical-significance assessments for this variant to ClinVar after 2014, and all laboratories classified the variant as uncertain significance. Based on the evidence outlined above, the variant was classified as uncertain significance.